The following is an entry in ClinVar:

ClinVar aggregate classification (germline): Likely benign. Review status: criteria provided, multiple submitters, no conflicts (2 of 4 stars). 2 submissions from 2 submitters: Likely benign (2). Last evaluated 2018-01-13.

Conditions:
Retinitis pigmentosa (RP). Identifiers: Orphanet 791, MedGen C0035334, MeSH D012174, MONDO:0019200, OMIM 268000. Inheritance: Autosomal dominant, autosomal recessive and X linked inheritance.

Allele frequency attached by ClinVar (database versions not stated): gnomAD exomes 0.00056 and 0.00158; ExAC 0.00250; ESP Exome Variant Server 0.00553; gnomAD 0.00605 and 0.00648; TOPMed 0.00688; 1000 Genomes Project 0.00799; 1000 Genomes Project 30x 0.00843.

Submissions (2):

Illumina Laboratory Services, Illumina
Classification: Likely benign for Retinitis pigmentosa. Last evaluated: 2018-01-13. Review status: criteria provided, single submitter. Criteria: ICSL Variant Classification Criteria 13 December 2019. Collection method: clinical testing. Allele origin: germline.
Comment: This variant was observed in the ICSL laboratory as part of a predisposition screen in an ostensibly healthy population. It had not been previously curated by ICSL or reported in the Human Gene Mutation Database (HGMD: prior to June 1st, 2018), and was therefore a candidate for classification through an automated scoring system. Utilizing variant allele frequency, disease prevalence and penetrance estimates, and inheritance mode, an automated score was calculated to assess if this variant is too frequent to cause the disease. Based on the score and internal cut-off values, a variant classified as likely benign is not then subjected to further curation. The score for this variant resulted in a classification of likely benign for this disease.

Breakthrough Genomics
Classification: Likely benign. Review status: criteria provided, single submitter. Criteria: ACMG Guidelines, 2015. Collection method: not provided. Allele origin: germline. Inheritance: Unknown mechanism. Affected: yes.

NM_001201543.2(FAM161A):c.*26C>T

Gene: FAM161A (FAM161 centrosomal protein A; minus strand). Cytogenetic location: 2p15.
Variant type: single nucleotide variant.
Coding change: c.*26C>T on transcript NM_001201543.2 (MANE Select); 26 bases downstream of the stop codon, C replaced by T.
Molecular consequence: 3 prime UTR variant. On other transcripts: non-coding transcript variant (1).
Genome position (GRCh38, 1-based): chr2:61,826,429, G>A on the plus strand (C>T on the coding strand, the complement: FAM161A is on the minus strand). VCF-style: chr2-61826429-G-A. GRCh37 (hg19) VCF-style: chr2-62053564-G-A.
Other names: c.*26C>T (NM_032180.3).
Identifiers: ClinVar variation 336732 (VCV000336732.6), dbSNP rs61743113, ClinGen allele CA1678935.
Genomic context (GRCh38, chr2:61,826,429, plus strand): 5'-CCACAGATGTTCTAAACACAAATGCGGCTGCTGACACCCTGACGCTGCAAACAACAGCAA[G>A]GGCATAGAGAGGAGACCTTGATGATTCAGTGTGATTCTTCAACAGATTTCTCTTCTTCAC-3'